The following is an entry in ClinVar:

NM_007194.4(CHEK2):c.793-1G>A

Gene: CHEK2 (checkpoint kinase 2; minus strand). Cytogenetic location: 22q12.1.
Variant type: single nucleotide variant.
Coding change: c.793-1G>A on transcript NM_007194.4 (MANE Select); the canonical splice acceptor site of the intron before coding-DNA position 793, G replaced by A.
Molecular consequence: splice acceptor variant.
Genome position (GRCh38, 1-based): chr22:28,710,060, C>T on the plus strand (G>A on the coding strand, the complement: CHEK2 is on the minus strand). VCF-style: chr22-28710060-C-T. GRCh37 (hg19) VCF-style: chr22-29106048-C-T.
Other names: c.130-1G>A (NM_001437942.1, NM_001257387.3); c.592-1G>A (NM_001349956.3); c.793-1G>A (NM_145862.3); c.886-1G>A (NM_001438295.1, NM_001438293.1); c.922-1G>A (NM_001438294.1, NM_001005735.3).
Identifiers: ClinVar variation 182430 (VCV000182430.59), dbSNP rs730881687, ClinGen allele CA299073.
Genomic context (GRCh38, chr22:28,710,060, plus strand): 5'-ACTTACATGATTTAGCTTTTTCAAAATTTCTATTTCTGTTTCAACATTGAGAGCTGGGTC[C>T]TTTGATAAACAGAATAACAGAGTTTATTAGTAATAATAATTGCCAATATTTAAAAAAACA-3'

ClinVar aggregate classification (germline): Pathogenic/Likely pathogenic. Review status: criteria provided, multiple submitters, no conflicts (2 of 4 stars). 19 submissions from 19 submitters: Pathogenic (12); Likely pathogenic (6). 1 of the submissions does not count toward it. Last evaluated 2026-01-13.

Conditions:
Familial cancer of breast. Also called: Hereditary breast cancer; hereditary breast carcinoma; BREAST CANCER, FAMILIAL. Identifiers: Orphanet 227535, MedGen C0346153, MONDO:0016419, OMIM 114480. Disease mechanism: loss of function.
CHEK2-related cancer predisposition (TPDS4). Also called: CHEK2-related cancer susceptibility; TUMOR PREDISPOSITION SYNDROME 4; CANCER PREDISPOSITION SYNDROME, CHEK2-RELATED. Identifiers: Orphanet 524, MedGen C5882668, MONDO:0700271, OMIM 609265.
Colorectal cancer. Also called: Colorectal cancer, somatic; Malignant Colorectal Neoplasm. Identifiers: MedGen C0346629, MONDO:0005575, OMIM 114500.
Prostate cancer. Also called: Malignant tumor of prostate. Identifiers: Orphanet 1331, MedGen C0376358, MONDO:0008315, HP:0012125.
Bone osteosarcoma. Also called: Osteosarcoma, somatic. Identifiers: Orphanet 668, MedGen C0585442, MONDO:0002629, OMIM 259500.
Familial prostate cancer. Also called: Hereditary Prostate Cancer. Identifiers: MedGen C2931456, MONDO:0700275, OMIM 176807.
Hereditary cancer-predisposing syndrome. Also called: Hereditary Cancer Syndrome; Neoplastic Syndromes, Hereditary; Tumor predisposition; Hereditary neoplastic syndrome. Identifiers: Orphanet 140162, MedGen C0027672, MeSH D009386, MONDO:0015356.
Hereditary breast ovarian cancer syndrome. Also called: Hereditary breast and ovarian cancer; Hereditary breast and ovarian cancer syndrome (HBOC); Hereditary breast and/or ovarian cancer syndrome; Hereditary breast and ovarian cancer syndrome; Breast and ovarian cancer; BRCA1- and BRCA2-Associated Hereditary Breast and Ovarian Cancer. Identifiers: Orphanet 145, MedGen C0677776, MeSH D061325, MONDO:0003582. Disease mechanism: loss of function.

Allele frequency attached by ClinVar (database versions not stated): TOPMed below 0.00001.
gnomAD v4.1: 8 of 1,551,814 alleles (0.00052%); highest among the groups gnomAD compares: Admixed American, 0.0067%; no homozygotes.

Submissions 1 to 8 of 19:

Labcorp Genetics (formerly Invitae), Labcorp
Classification: Pathogenic for Familial cancer of breast. Last evaluated: 2026-01-13. Review status: criteria provided, single submitter. Criteria: Invitae Variant Classification Sherloc (09022015). Collection method: clinical testing. Allele origin: germline.
Comment: This sequence change affects an acceptor splice site in intron 6 of the CHEK2 gene. RNA analysis indicates that disruption of this splice site induces altered splicing and may result in an absent or altered protein product. This variant is present in population databases (rs730881687, gnomAD 0.01%). Disruption of this splice site has been observed in individual(s) with breast cancer and prostate cancer (PMID: 26681312, 27751358, 29520813, 31349801; internal data). It has also been observed to segregate with disease in related individuals. ClinVar contains an entry for this variant (Variation ID: 182430). Studies have shown that disruption of this splice site results in activation of a cryptic splice site , and produces a non-functional protein and/or introduces a premature termination codon (PMID: 31349801; internal data). For these reasons, this variant has been classified as Pathogenic.

Women's Health and Genetics/Laboratory Corporation of America, LabCorp
Classification: Pathogenic for Hereditary breast ovarian cancer syndrome. Last evaluated: 2026-01-02. Review status: criteria provided, single submitter. Criteria: LabCorp Variant Classification Summary - May 2015. Collection method: clinical testing. Allele origin: germline.
Comment: Variant summary: CHEK2 c.793-1G>A is located in a canonical splice-site and is predicted to affect mRNA splicing resulting in a significantly altered protein due to either exon skipping, shortening, or inclusion of intronic material. Variants that disrupt the consensus splice site are a relatively common cause of aberrant splicing and loss of CHEK2 function. Several computational tools predict a significant impact on normal splicing: Four predict the variant abolishes a canonical 3' acceptor site. Four predict the variant creates a cryptic 3' acceptor site. At least one publication reports experimental evidence that this variant affects mRNA splicing (Agiannitopoulos_2019). The variant allele was found at a frequency of 1.6e-05 in 249694 control chromosomes (gnomAD). c.793-1G>A has been observed in individuals affected with Hereditary Breast And Ovarian Cancer Syndrome or prostate cancer (e.g. Susswein_2016, Lilyquist_2017, Wu_2018, Ates_2022). These data indicate that the variant is likely to be associated with disease. The following publications have been ascertained in the context of this evaluation (PMID: 26681312, 28888541, 29520813, 31349801, 35734982). ClinVar contains an entry for this variant (Variation ID: 182430). Based on the evidence outlined above, the variant was classified as pathogenic.

Myriad Genetics, Inc.
Classification: Pathogenic for Familial cancer of breast. Last evaluated: 2025-10-10. Review status: criteria provided, single submitter. Criteria: Myriad Autosomal Dominant, Autosomal Recessive and X-Linked Classification Criteria (2023). Collection method: clinical testing. Allele origin: unknown.
Comment: This variant is considered pathogenic. This variant occurs within a consensus splice junction and is predicted to result in abnormal mRNA splicing of either an out-of-frame exon or an in-frame exon necessary for protein stability and/or normal function. This variant is strongly associated with more severe personal and family histories of cancer, typical for individuals with pathogenic variants in this gene [PMID: 25085752].

Color Diagnostics, LLC DBA Color Health
Classification: Likely pathogenic for Hereditary cancer-predisposing syndrome. Last evaluated: 2025-05-21. Review status: criteria provided, single submitter. Criteria: ACMG Guidelines, 2015. Collection method: clinical testing. Allele origin: germline.
Comment: This variant causes a G>A nucleotide substitution at the -1 position of intron 6 of the CHEK2 gene. \\ Splice site prediction tools suggest that this variant may abolish the canonical splice acceptor site and create a new splice acceptor one basepair downstream. RNA studies have confirmed this prediction, with the variant resulting in the deletion of one nucleotide from the mRNA and a frameshift and premature termination codon within exon 7 of the protein (p.Asp265Thrfs*10) (PMID: 31349801, 37725924). This variant has been reported in individuals affected with breast cancer (PMID: 26556299, 26681312, 27751358, 31349801, 36529819, 38061684) and prostate cancer (PMID: 29520813) in the literature. This variant has been reported in a homozygous individual with a personal and family history of cancer and multiple cytogenetic anomalies (PMID: 36529819). This variant has been identified in 4/249694 chromosomes in the general population by the Genome Aggregation Database (gnomAD). Loss of CHEK2 function is a known mechanism of disease. Based on the available evidence, this variant is classified as Likely Pathogenic.

Molecular Diagnostics Laboratory, Catalan Institute of Oncology
Classification: Pathogenic for Hereditary cancer-predisposing syndrome. Last evaluated: 2025-03-20. Review status: criteria provided, single submitter. Criteria: ACMG Guidelines, 2015. Collection method: clinical testing. Allele origin: germline.
Comment: PVS1_RNA, PS4_Supporting, PM2_Supporting c.793-1G>A, located in a canonic splicing site at the kinase domain of the CHEK2 gene is predicted to alter splicing, causing the use of a cryptic splice site, removing 1 bp of exon 7 (r.793del), with a consequent frameshift (p.(Asp265Thrfs*10)). This alteration is expected to result in loss of function by premature protein truncation and nonsense-mediated mRNA decay.This variant is found in 4/266602 alleles at a frequency of 0,001% in the gnomAD v2.1.1 database, non-cancer dataset (PM2_Supporting). The SpliceAI algorithm predicts that this variant causes the loss of the canonical splice acceptor site and creates a new splice acceptor site 1bp downstream. Functional analysis using either carrier peripheral blood lymphocytes mRNA or cDNA minigene constructs have revealed that this variant impacts splicing by introducing an alternative splice site 1 bp downstream leading to a frameshift, causing a protein truncation 10 amino acids downstream (PMID:31349801, PMID: 37725924) (PVS1_Observed). It has been reported in a case-control study, being found in 2 out of 60466 breast cancer-affected patients and in none of the 53461 healthy controls (PMID: 33471991), as well as in multiple cancer-affected or fulfilling hereditary cancer risk individuals (PMID: 37628581, PMID: 38898688, PMID: 36529819, PMID: 32957588, PMID: 27009842, PMID: 26681312, PMID: 27751358) (PS4_Supporting). This variant has been reported in the ClinVar database (6x pathogenic, 7x likely pathogenic), and in the LOVD (2x pathogenic). Based on currently available information, the variant c.793-1G>A should be considered a pathogenic variant, according to ACMG/AMP classification guidelines.

Institute of Medical Genetics and Applied Genomics, University Hospital Tübingen
Classification: Likely pathogenic for Hereditary breast ovarian cancer syndrome. Last evaluated: 2025-02-12. Review status: criteria provided, single submitter. Criteria: ACMG Guidelines, 2015. Collection method: clinical testing. Allele origin: germline. Inheritance: Autosomal dominant inheritance. Affected: yes.

German Consortium for Hereditary Breast and Ovarian Cancer, University Hospital Cologne
Classification: Likely pathogenic for Hereditary breast ovarian cancer syndrome. Last evaluated: 2025-02-11. Review status: criteria provided, single submitter. Criteria: ACMG Guidelines, 2015. Collection method: curation. Allele origin: germline.
Comment: According to the ACMG SVI adaptation criteria we chose these criteria: PVS1 (very strong pathogenic): Tayoun/Walker, PM5 (supporting pathogenic): ATM VCEP: PM5_PTCsup in addition to PVS1(RNA)

Molecular Pathology, Peter Maccallum Cancer Centre
Classification: Likely pathogenic for Familial cancer of breast. Last evaluated: 2025-01-03. Review status: criteria provided, single submitter. Criteria: ACMG Guidelines, 2015. Collection method: clinical testing. Allele origin: germline. Inheritance: Autosomal dominant inheritance.